The following is an entry in ClinVar:

NM_001267550.2(TTN):c.105413T>C (p.Met35138Thr)

Genes: TTN (titin; minus strand), TTN-AS1 (TTN antisense RNA 1; plus strand). Cytogenetic location: 2q31.2.
Variant type: single nucleotide variant.
Coding change: c.105413T>C on transcript NM_001267550.2 (MANE Select); coding-DNA position 105413, T replaced by C.
Protein change: p.Met35138Thr; replaces methionine 35138 with threonine.
Molecular consequence: missense variant.
Genome position (GRCh38, 1-based): chr2:178,531,202, A>G on the plus strand (T>C on the coding strand, the complement: TTN is on the minus strand). VCF-style: chr2-178531202-A-G. GRCh37 (hg19) VCF-style: chr2-179395929-A-G.
Other names: c.100490T>C, p.Met33497Thr (NM_001256850.1); c.78218T>C, p.Met26073Thr (NM_003319.4); c.97709T>C, p.Met32570Thr (NM_133378.4); c.78593T>C, p.Met26198Thr (NM_133432.3); c.78794T>C, p.Met26265Thr (NM_133437.4); short protein forms M35138T, M33497T, M26198T, M26265T, M32570T, M26073T.
Identifiers: ClinVar variation 466738 (VCV000466738.11), dbSNP rs771741670, ClinGen allele CA1985265.

ClinVar aggregate classification (germline): Conflicting classifications of pathogenicity. Review status: criteria provided, conflicting classifications (1 of 4 stars). 6 submissions from 6 submitters: Uncertain significance (4); Likely benign (2). Last evaluated 2026-05-11.

Conditions:
Autosomal recessive limb-girdle muscular dystrophy type 2J (LGMDR10). Also called: Limb-girdle muscular dystrophy, type 2J; MUSCULAR DYSTROPHY, LIMB-GIRDLE, AUTOSOMAL RECESSIVE 10. Identifiers: Orphanet 140922, MedGen C1837342, MONDO:0012127, OMIM 608807.
Dilated cardiomyopathy 1G (CMD1G). Identifiers: Orphanet 154, MedGen C1858763, MONDO:0011400, OMIM 604145.
TTN-related disorder. Also called: TTN-related condition; TTN-related disease; TTN-related disorders.

Allele frequency attached by ClinVar (database versions not stated): ExAC 0.00002; gnomAD exomes 0.00002 and 0.00007; gnomAD 0.00005 and 0.00006; TOPMed 0.00006.
gnomAD v4.1: 113 of 1,613,856 alleles (0.007%); highest among the groups gnomAD compares: Non-Finnish European, 0.0086%; no homozygotes.

Submissions (6):

PreventionGenetics, part of Exact Sciences
Classification: Uncertain significance for TTN-related condition. Last evaluated: 2026-05-11. Review status: criteria provided, single submitter. Criteria: ACMG Guidelines, 2015. Collection method: clinical testing. Allele origin: germline.
Comment: The TTN c.105413T>C variant is predicted to result in the amino acid substitution p.Met35138Thr. This variant has been reported in an individual with arrhythmogenic right ventricular cardiomyopathy (ARVC); however, the individual also carried a pathogenic PKP2 variant, which likely represents the primary genetic cause of disease (referred to as c.97709T>C, p.Met32570Thr in the alternate transcript NM_133378, Case 1144, van Lint et al. 2019. PubMed ID: 30847666). This variant is reported in 0.0047% of alleles in individuals of European (Non-Finnish) descent in gnomAD. At this time, the clinical significance of this variant is uncertain due to the absence of conclusive functional and genetic evidence.

Women's Health and Genetics/Laboratory Corporation of America, LabCorp
Classification: Uncertain significance. Last evaluated: 2025-09-08. Review status: criteria provided, single submitter. Criteria: LabCorp Variant Classification Summary - May 2015. Collection method: clinical testing. Allele origin: germline.
Comment: Variant summary: TTN c.97709T>C (p.Met32570Thr) results in a non-conservative amino acid change in the encoded protein sequence. Algorithms developed to predict the effect of missense changes on protein structure and function are either unavailable or do not agree on the potential impact of this missense change. The variant allele was found at a frequency of 2e-05 in 249090 control chromosomes. The available data on variant occurrences in the general population are insufficient to allow any conclusion about variant significance. c.97709T>C has been observed in at least one individual affected with arrhythmogenic right ventricular cardiomyopathy (e.g. van Lint_2019) . These report(s) do not provide unequivocal conclusions about association of the variant with Autosomal Recessive Titinopathy. To our knowledge, no experimental evidence demonstrating an impact on protein function has been reported. The following publication has been ascertained in the context of this evaluation (PMID: 30847666). ClinVar contains an entry for this variant (Variation ID: 466738). Based on the evidence outlined above, the variant was classified as uncertain significance.

Molecular Diagnostic Laboratory for Inherited Cardiovascular Disease, Montreal Heart Institute
Classification: Likely benign. Last evaluated: 2025-04-09. Review status: criteria provided, single submitter. Criteria: ACMG Guidelines, 2015. Collection method: clinical testing. Allele origin: germline. Affected: no.

Revvity Omics, Revvity
Classification: Uncertain significance. Last evaluated: 2021-06-06. Review status: criteria provided, single submitter. Criteria: ACMG Guidelines, 2015. Collection method: clinical testing. Allele origin: germline.

GeneDx
Classification: Likely benign. Last evaluated: 2019-10-01. Review status: criteria provided, single submitter. Criteria: GeneDx Variant Classification Process June 2021. Collection method: clinical testing. Allele origin: germline. Affected: yes.
Comment: This variant is associated with the following publications: (PMID: 30847666)

Labcorp Genetics (formerly Invitae), Labcorp
Classification: Uncertain significance for Dilated cardiomyopathy 1G; Autosomal recessive limb-girdle muscular dystrophy type 2J. Last evaluated: 2017-07-20. Review status: criteria provided, single submitter. Criteria: Invitae Variant Classification Sherloc (09022015). Collection method: clinical testing. Allele origin: germline.

Literature cited by the submitters: PubMed 30847666 (cited by Women's Health and Genetics/Laboratory Corporation of America, LabCorp).